The following is an entry in ClinVar:

ClinVar aggregate classification (germline): Uncertain significance. Review status: criteria provided, multiple submitters, no conflicts (2 of 4 stars). 3 submissions from 3 submitters: Uncertain significance (3). Last evaluated 2025-04-24.

Conditions:
Galactosylceramide beta-galactosidase deficiency. Also called: GALACTOCEREBROSIDASE DEFICIENCY; GALC DEFICIENCY; GLOBOID CELL LEUKOENCEPHALOPATHY; Krabbe Disease; Leukodystrophy, Globoid Cell. Identifiers: Orphanet 487, MedGen C0023521, MONDO:0009499, OMIM 245200.

Allele frequency attached by ClinVar (database versions not stated): gnomAD 0.00001 and 0.00003; gnomAD exomes 0.00002; ExAC 0.00003; TOPMed 0.00003; ESP Exome Variant Server 0.00008.
gnomAD v4.1: 75 of 1,606,592 alleles (0.0047%); highest among the groups gnomAD compares: Non-Finnish European, 0.0056%; no homozygotes.

Submissions (3):

GeneDx
Classification: Uncertain significance. Last evaluated: 2025-04-24. Review status: criteria provided, single submitter. Criteria: GeneDx Variant Classification Process June 2021. Collection method: clinical testing. Allele origin: germline. Affected: yes.
Comment: Identified in a clinically asymptomatic infant who had additional GALC variants and low galactocerebrosidase activity detected by newborn screening (PMID: 26795590); Not observed at significant frequency in large population cohorts (gnomAD); In silico analysis indicates that this missense variant does not alter protein structure/function; This variant is associated with the following publications: (PMID: 26795590)

Labcorp Genetics (formerly Invitae), Labcorp
Classification: Uncertain significance for Galactosylceramide beta-galactosidase deficiency. Last evaluated: 2024-12-18. Review status: criteria provided, single submitter. Criteria: Invitae Variant Classification Sherloc (09022015). Collection method: clinical testing. Allele origin: germline.
Comment: This sequence change replaces isoleucine, which is neutral and non-polar, with threonine, which is neutral and polar, at codon 587 of the GALC protein (p.Ile587Thr). This variant is present in population databases (rs368818550, gnomAD 0.004%). This missense change has been observed in individual(s) with GALC-related conditions (PMID: 26795590). This variant is also known as I571T. ClinVar contains an entry for this variant (Variation ID: 1032907). Invitae Evidence Modeling of protein sequence and biophysical properties (such as structural, functional, and spatial information, amino acid conservation, physicochemical variation, residue mobility, and thermodynamic stability) indicates that this missense variant is not expected to disrupt GALC protein function with a negative predictive value of 95%. In summary, the available evidence is currently insufficient to determine the role of this variant in disease. Therefore, it has been classified as a Variant of Uncertain Significance.

Baylor Genetics
Classification: Uncertain significance for Galactosylceramide beta-galactosidase deficiency. Last evaluated: 2018-08-02. Review status: criteria provided, single submitter. Criteria: ACMG Guidelines, 2015. Collection method: clinical testing. Allele origin: maternal. Affected: yes.
Comment: This variant was determined to be of uncertain significance according to ACMG Guidelines, 2015 [PMID:25741868].

Literature cited by the submitters: PubMed 26795590 (cited by Labcorp Genetics (formerly Invitae), Labcorp).

NM_000153.4(GALC):c.1760T>C (p.Ile587Thr)

Gene: GALC (galactosylceramidase; minus strand). Cytogenetic location: 14q31.3.
Variant type: single nucleotide variant.
Coding change: c.1760T>C on transcript NM_000153.4 (MANE Select); coding-DNA position 1760, T replaced by C.
Protein change: p.Ile587Thr; replaces isoleucine 587 with threonine.
Molecular consequence: missense variant.
Genome position (GRCh38, 1-based): chr14:87,941,469, A>G on the plus strand (T>C on the coding strand, the complement: GALC is on the minus strand). VCF-style: chr14-87941469-A-G. GRCh37 (hg19) VCF-style: chr14-88407813-A-G.
Other names: c.1691T>C, p.Ile564Thr (NM_001201401.2); c.1682T>C, p.Ile561Thr (NM_001201402.2); short protein forms I587T, I561T, I564T.
Identifiers: ClinVar variation 1032907 (VCV001032907.6), dbSNP rs368818550, ClinGen allele CA7296926.